The following is an entry in ClinVar:

NM_014915.3(ANKRD26):c.2509C>G (p.Leu837Val)

Gene: ANKRD26 (ankyrin repeat domain containing 26; minus strand). Cytogenetic location: 10p12.1.
Variant type: single nucleotide variant.
Coding change: c.2509C>G on transcript NM_014915.3 (MANE Select); coding-DNA position 2509, C replaced by G.
Protein change: p.Leu837Val; replaces leucine 837 with valine.
Molecular consequence: missense variant.
Genome position (GRCh38, 1-based): chr10:27,037,921, G>C on the plus strand (C>G on the coding strand, the complement: ANKRD26 is on the minus strand). VCF-style: chr10-27037921-G-C. GRCh37 (hg19) VCF-style: chr10-27326850-G-C.
Other names: c.2506C>G, p.Leu836Val (NM_001256053.2); short protein forms L836V, L837V.
Identifiers: ClinVar variation 3396803 (VCV003396803.1).

ClinVar aggregate classification (germline): Uncertain significance (1 of 4 stars; one submission).

Conditions:
Inborn genetic diseases. Identifiers: MedGen C0950123, MeSH D030342.

Submission:

Ambry Genetics
Classification: Uncertain significance for Inborn genetic diseases. Last evaluated: 2024-11-26. Review status: criteria provided, single submitter. Criteria: Ambry Variant Classification Scheme 2023. Collection method: clinical testing. Allele origin: germline.
Comment: The p.L837V variant (also known as c.2509C>G), located in coding exon 22 of the ANKRD26 gene, results from a C to G substitution at nucleotide position 2509. The leucine at codon 837 is replaced by valine, an amino acid with highly similar properties. This amino acid position is conserved. In addition, this alteration is predicted to be tolerated by in silico analysis. Based on the available evidence, the clinical significance of this variant remains unclear.